The following is an entry in ClinVar:

ClinVar aggregate classification (germline): Uncertain significance. Review status: criteria provided, multiple submitters, no conflicts (2 of 4 stars). 3 submissions from 3 submitters: Uncertain significance (3). Last evaluated 2026-05-27.

Conditions:
IFT172-related disorder. Also called: IFT172-related condition; IFT172-related disorders.
Bardet-Biedl syndrome 20. Identifiers: MedGen C4310707, MONDO:0023670, OMIM 619471, MONDO:0014926.
Retinitis pigmentosa 71 (RP71). Identifiers: Orphanet 791, MedGen C4225342, MONDO:0014618, OMIM 616394.
Short-rib thoracic dysplasia 10 with or without polydactyly (SRTD10). Identifiers: Orphanet 474, MedGen C3810175, MONDO:0014284, OMIM 615630.

Allele frequency attached by ClinVar (database versions not stated): gnomAD exomes 0.00001 and 0.00002.
gnomAD v4.1: 7 of 1,613,184 alleles (0.00043%); highest among the groups gnomAD compares: Admixed American, 0.01%; no homozygotes.

Submissions (3):

PreventionGenetics, part of Exact Sciences
Classification: Uncertain significance for IFT172-related condition. Last evaluated: 2026-05-27. Review status: criteria provided, single submitter. Criteria: ACMG Guidelines, 2015. Collection method: clinical testing. Allele origin: germline.
Comment: The IFT172 c.5033G>A variant is predicted to result in the amino acid substitution p.Ser1678Asn. To our knowledge, this variant has not been reported in the literature. This variant is reported in 0.012% of alleles in individuals of Latino descent in gnomAD. At this time, the clinical significance of this variant is uncertain due to the absence of conclusive functional and genetic evidence.

Fulgent Genetics
Classification: Uncertain significance for Short-rib thoracic dysplasia 10 with or without polydactyly; Retinitis pigmentosa 71; Bardet-Biedl syndrome 20. Last evaluated: 2024-06-09. Review status: criteria provided, single submitter. Criteria: ACMG Guidelines, 2015. Collection method: clinical testing. Allele origin: germline.

Labcorp Genetics (formerly Invitae), Labcorp
Classification: Uncertain significance for Retinitis pigmentosa 71; Short-rib thoracic dysplasia 10 with or without polydactyly. Last evaluated: 2021-06-20. Review status: criteria provided, single submitter. Criteria: Invitae Variant Classification Sherloc (09022015). Collection method: clinical testing. Allele origin: germline.
Comment: In summary, the available evidence is currently insufficient to determine the role of this variant in disease. Therefore, it has been classified as a Variant of Uncertain Significance. Algorithms developed to predict the effect of missense changes on protein structure and function (SIFT, PolyPhen-2, Align-GVGD) all suggest that this variant is likely to be tolerated, but these predictions have not been confirmed by published functional studies and their clinical significance is uncertain. This variant has not been reported in the literature in individuals with IFT172-related conditions. This variant is not present in population databases (ExAC no frequency). This sequence change replaces serine with asparagine at codon 1678 of the IFT172 protein (p.Ser1678Asn). The serine residue is moderately conserved and there is a small physicochemical difference between serine and asparagine.

NM_015662.3(IFT172):c.5033G>A (p.Ser1678Asn)

Genes: IFT172 (intraflagellar transport 172; minus strand), KRTCAP3 (keratinocyte associated protein 3; plus strand). Cytogenetic location: 2p23.3.
Variant type: single nucleotide variant.
Coding change: c.5033G>A on transcript NM_015662.3 (MANE Select); coding-DNA position 5033, G replaced by A.
Protein change: p.Ser1678Asn; replaces serine 1678 with asparagine.
Molecular consequence: missense variant. On other transcripts: intron variant (1).
Genome position (GRCh38, 1-based): chr2:27,445,331, C>T on the plus strand (G>A on the coding strand, the complement: IFT172 is on the minus strand). VCF-style: chr2-27445331-C-T. GRCh37 (hg19) VCF-style: chr2-27668198-C-T.
Other names: c.4967G>A, p.Ser1656Asn (NM_001410739.1); c.*6-970C>T (NM_001168364.2); c.5033G>A (NM_015662.2); short protein forms S1678N, S1656N.
Identifiers: ClinVar variation 1002314 (VCV001002314.12), dbSNP rs972056548, ClinGen allele CA44515601.